The following is an entry in ClinVar:

ClinVar aggregate classification (germline): Uncertain significance (1 of 4 stars; one submission).

Conditions:
Joubert syndrome. Also called: CEREBELLOPARENCHYMAL DISORDER IV; JOUBERT-BOLTSHAUSER SYNDROME; Familial aplasia of the vermis. Identifiers: Orphanet 475, MedGen C5979921, MONDO:0018772.

Submission:

Labcorp Genetics (formerly Invitae), Labcorp
Classification: Uncertain significance for Joubert syndrome. Last evaluated: 2022-07-21. Review status: criteria provided, single submitter. Criteria: Invitae Variant Classification Sherloc (09022015). Collection method: clinical testing. Allele origin: germline.
Comment: In summary, the available evidence is currently insufficient to determine the role of this variant in disease. Therefore, it has been classified as a Variant of Uncertain Significance. This variant has not been reported in the literature in individuals affected with AHI1-related conditions. This variant results in a copy number gain of the genomic region encompassing exon(s) 3-24 of the AHI1 gene. This region includes the initiator codon of the gene. This copy number gain extends beyond the assayed region for this gene and therefore may encompass additional genes. As the precise location of this event is unknown, it may be in tandem or it may be located elsewhere in the genome.

NC_000006.11:g.(?_135644280)_(135813375_?)dup

Gene: AHI1 (Abelson helper integration site 1; minus strand). Cytogenetic location: 6q23.3.
Variant type: Duplication.
Identifiers: ClinVar variation 2426337 (VCV002426337.6).